The following is an entry in ClinVar:

ClinVar aggregate classification (germline): Uncertain significance (1 of 4 stars; one submission).

Conditions:
Familial thoracic aortic aneurysm and aortic dissection (TAAD). Also called: Thoracic aortic aneurysms and dissections. Identifiers: Orphanet 91387, MedGen C4707243, MONDO:0019625.

Allele frequency attached by ClinVar (database versions not stated): gnomAD exomes below 0.00001.
gnomAD v4.1: 1 of 1,563,882 alleles (0.000064%); highest among the groups gnomAD compares: Non-Finnish European, 0.000087%; no homozygotes.

Submission:

Color Diagnostics, LLC DBA Color Health
Classification: Uncertain significance for Familial thoracic aortic aneurysm and aortic dissection. Last evaluated: 2023-12-05. Review status: criteria provided, single submitter. Criteria: ACMG Guidelines, 2015. Collection method: clinical testing. Allele origin: germline.
Comment: This missense variant replaces alanine with threonine at codon 515 of the COL3A1 protein. Computational prediction tools and conservation analyses are inconclusive regarding the impact of this variant on the protein function. Computational splicing tools suggest that this variant may not impact RNA splicing. To our knowledge, functional assays have not been performed for this variant nor has this variant been reported in individuals affected with cardiovascular disorders in the literature. This variant has not been identified in the general population by the Genome Aggregation Database (gnomAD). Available evidence is insufficient to determine the role of this variant in disease conclusively. Therefore, this variant is classified as a Variant of Uncertain Significance.

NM_000090.4(COL3A1):c.1543G>A (p.Ala515Thr)

Gene: COL3A1 (collagen type III alpha 1 chain; plus strand). Cytogenetic location: 2q32.2.
Variant type: single nucleotide variant.
Coding change: c.1543G>A on transcript NM_000090.4 (MANE Select); coding-DNA position 1543, G replaced by A.
Protein change: p.Ala515Thr; replaces alanine 515 with threonine.
Molecular consequence: missense variant.
Genome position (GRCh38, 1-based): chr2:188,995,725, G>A. VCF-style: chr2-188995725-G-A. GRCh37 (hg19) VCF-style: chr2-189860451-G-A.
Other names: short protein forms A515T.
Identifiers: ClinVar variation 923888 (VCV000923888.5), dbSNP rs937534609, ClinGen allele CA349852148.